The following is an entry in ClinVar:

ClinVar aggregate classification (germline): Uncertain significance. Review status: criteria provided, multiple submitters, no conflicts (2 of 4 stars). 2 submissions from 2 submitters: Uncertain significance (2). Last evaluated 2025-08-10.

Conditions:
Inborn genetic diseases. Identifiers: MedGen C0950123, MeSH D030342.
COG5-congenital disorder of glycosylation. Also called: CDG IIi; CONGENITAL DISORDER OF GLYCOSYLATION, TYPE IIi; COG5-CDG. Identifiers: Orphanet 263487, MedGen C3150876, MONDO:0013325, OMIM 613612.

Allele frequency attached by ClinVar (database versions not stated): gnomAD exomes 0.00001.
gnomAD v4.1: 13 of 1,614,062 alleles (0.00081%); highest among the groups gnomAD compares: Non-Finnish European, 0.001%; no homozygotes.

Submissions (2):

Ambry Genetics
Classification: Uncertain significance for Inborn genetic diseases. Last evaluated: 2025-08-10. Review status: criteria provided, single submitter. Criteria: Ambry Variant Classification Scheme 2023. Collection method: clinical testing. Allele origin: germline.

Labcorp Genetics (formerly Invitae), Labcorp
Classification: Uncertain significance for COG5-congenital disorder of glycosylation. Last evaluated: 2022-02-08. Review status: criteria provided, single submitter. Criteria: Invitae Variant Classification Sherloc (09022015). Collection method: clinical testing. Allele origin: germline.
Comment: This sequence change replaces leucine, which is neutral and non-polar, with arginine, which is basic and polar, at codon 478 of the COG5 protein (p.Leu478Arg). This variant is not present in population databases (gnomAD no frequency). This variant has not been reported in the literature in individuals affected with COG5-related conditions. Algorithms developed to predict the effect of missense changes on protein structure and function (SIFT, PolyPhen-2, Align-GVGD) all suggest that this variant is likely to be disruptive. In summary, the available evidence is currently insufficient to determine the role of this variant in disease. Therefore, it has been classified as a Variant of Uncertain Significance.

NM_006348.5(COG5):c.1340T>G (p.Leu447Arg)

Gene: COG5 (component of oligomeric golgi complex 5; minus strand). Cytogenetic location: 7q22.3.
Variant type: single nucleotide variant.
Coding change: c.1340T>G on transcript NM_006348.5 (MANE Select); coding-DNA position 1340, T replaced by G.
Protein change: p.Leu447Arg; replaces leucine 447 with arginine.
Molecular consequence: missense variant. On other transcripts: intron variant (1).
Genome position (GRCh38, 1-based): chr7:107,283,706, A>C on the plus strand (T>G on the coding strand, the complement: COG5 is on the minus strand). VCF-style: chr7-107283706-A-C. GRCh37 (hg19) VCF-style: chr7-106924151-A-C.
Other names: c.1340T>G, p.Leu447Arg (NM_001161520.2, NM_001379512.1, NM_001379513.1 and 2 more transcripts); c.770T>G, p.Leu257Arg (NM_001379515.1); c.626T>G, p.Leu209Arg (NM_001379516.1); c.1314-2307T>G (NM_001379511.1); c.1433T>G (NM_006348.3); short protein forms L209R, L447R, L257R.
Identifiers: ClinVar variation 1935811 (VCV001935811.4), dbSNP rs2536103567, ClinGen allele CA368938302.